The following is an entry in ClinVar:

NM_001330360.2(POLA1):c.411G>A (p.Pro137=)

Gene: POLA1 (DNA polymerase alpha 1, catalytic subunit; plus strand). Cytogenetic location: Xp22.11.
Variant type: single nucleotide variant.
Coding change: c.411G>A on transcript NM_001330360.2 (MANE Select); coding-DNA position 411, G replaced by A.
Protein change: p.Pro137=; no amino-acid change (proline 137 retained).
Molecular consequence: synonymous variant. On other transcripts: non-coding transcript variant (2).
Genome position (GRCh38, 1-based): chrX:24,714,618, G>A. VCF-style: chrX-24714618-G-A. GRCh37 (hg19) VCF-style: chrX-24732735-G-A.
Other names: c.411G>A, p.Pro137= (NM_001378303.1); c.393G>A, p.Pro131= (NM_016937.4).
Identifiers: ClinVar variation 1903838 (VCV001903838.6), dbSNP rs187670867, ClinGen allele CA10372775.

ClinVar aggregate classification (germline): Likely benign. Review status: criteria provided, multiple submitters, no conflicts (2 of 4 stars). 2 submissions from 2 submitters: Likely benign (2). Last evaluated 2026-08-01.

Allele frequency attached by ClinVar (database versions not stated): gnomAD exomes 0.00003; ExAC 0.00009; TOPMed 0.00012; gnomAD 0.00015; ESP Exome Variant Server 0.00019; 1000 Genomes Project 30x 0.00062; 1000 Genomes Project 0.00079.
gnomAD v4.1: 59 of 1,198,325 alleles (0.0049%); highest among the groups gnomAD compares: African/African-American, 0.059%; no homozygotes.

Submissions (2):

CeGaT Center for Human Genetics Tuebingen
Classification: Likely benign. Last evaluated: 2026-08-01. Review status: criteria provided, single submitter. Criteria: CeGaT Center For Human Genetics Tuebingen Variant Classification Criteria Version 2. Collection method: clinical testing. Allele origin: germline. Affected: yes. Observed: 1 variant allele.
Comment: POLA1: BP4, BP7, BS2

Labcorp Genetics (formerly Invitae), Labcorp
Classification: Likely benign. Last evaluated: 2025-07-21. Review status: criteria provided, single submitter. Criteria: Invitae Variant Classification Sherloc (09022015). Collection method: clinical testing. Allele origin: germline.